The following is an entry in ClinVar:

NM_000264.5(PTCH1):c.3125T>G (p.Val1042Gly)

Gene: PTCH1 (patched 1; minus strand). Cytogenetic location: 9q22.32.
Variant type: single nucleotide variant.
Coding change: c.3125T>G on transcript NM_000264.5 (MANE Select); coding-DNA position 3125, T replaced by G.
Protein change: p.Val1042Gly; replaces valine 1042 with glycine.
Molecular consequence: missense variant. On other transcripts: non-coding transcript variant (1).
Genome position (GRCh38, 1-based): chr9:95,458,056, A>C on the plus strand (T>G on the coding strand, the complement: PTCH1 is on the minus strand). VCF-style: chr9-95458056-A-C. GRCh37 (hg19) VCF-style: chr9-98220338-A-C.
Other names: c.2927T>G, p.Val976Gly (NM_001083602.3); c.3122T>G, p.Val1041Gly (NM_001083603.3); c.2672T>G, p.Val891Gly (NM_001083604.3, NM_001083605.3, NM_001083606.3 and 1 more transcripts); c.2969T>G, p.Val990Gly (NM_001354918.2); short protein forms V891G, V976G, V1041G, V1042G, V990G.
Identifiers: ClinVar variation 1727891 (VCV001727891.5), dbSNP rs1839101189, ClinGen allele CA374112335.

ClinVar aggregate classification (germline): Uncertain significance. Review status: criteria provided, multiple submitters, no conflicts (2 of 4 stars). 2 submissions from 2 submitters: Uncertain significance (2). Last evaluated 2022-10-27.

Conditions:
Hereditary cancer-predisposing syndrome. Also called: Neoplastic Syndromes, Hereditary; Tumor predisposition; Hereditary Cancer Syndrome; Hereditary neoplastic syndrome. Identifiers: Orphanet 140162, MedGen C0027672, MeSH D009386, MONDO:0015356.
Gorlin syndrome. Also called: Nevoid Basal Cell Carcinoma Syndrome; Basal cell nevus syndrome. Identifiers: Orphanet 377, MedGen C0004779, MONDO:0007187.

Submissions (2):

Labcorp Genetics (formerly Invitae), Labcorp
Classification: Uncertain significance for Gorlin syndrome. Last evaluated: 2022-10-27. Review status: criteria provided, single submitter. Criteria: Invitae Variant Classification Sherloc (09022015). Collection method: clinical testing. Allele origin: germline.
Comment: In summary, the available evidence is currently insufficient to determine the role of this variant in disease. Therefore, it has been classified as a Variant of Uncertain Significance. Algorithms developed to predict the effect of sequence changes on RNA splicing suggest that this variant may create or strengthen a splice site. Advanced modeling of protein sequence and biophysical properties (such as structural, functional, and spatial information, amino acid conservation, physicochemical variation, residue mobility, and thermodynamic stability) has been performed at Invitae for this missense variant, however the output from this modeling did not meet the statistical confidence thresholds required to predict the impact of this variant on PTCH1 protein function. This variant has not been reported in the literature in individuals affected with PTCH1-related conditions. This variant is not present in population databases (gnomAD no frequency). This sequence change replaces valine, which is neutral and non-polar, with glycine, which is neutral and non-polar, at codon 1042 of the PTCH1 protein (p.Val1042Gly).

Ambry Genetics
Classification: Uncertain significance for Hereditary cancer-predisposing syndrome. Last evaluated: 2021-12-02. Review status: criteria provided, single submitter. Criteria: Ambry Variant Classification Scheme 2023. Collection method: clinical testing. Allele origin: germline.
Comment: The p.V1042G variant (also known as c.3125T>G), located in coding exon 18 of the PTCH1 gene, results from a T to G substitution at nucleotide position 3125. The valine at codon 1042 is replaced by glycine, an amino acid with dissimilar properties. This amino acid position is highly conserved in available vertebrate species. In addition, this alteration is predicted to be deleterious by in silico analysis. Since supporting evidence is limited at this time, the clinical significance of this alteration remains unclear.